The following is an entry in ClinVar:

ClinVar aggregate classification (germline): Uncertain significance (1 of 4 stars; one submission).

Conditions:
Familial thoracic aortic aneurysm and aortic dissection (TAAD). Also called: Thoracic aortic aneurysms and dissections. Identifiers: Orphanet 91387, MedGen C4707243, MONDO:0019625.

Submission:

Ambry Genetics
Classification: Uncertain significance for Familial thoracic aortic aneurysm and aortic dissection. Last evaluated: 2025-04-05. Review status: criteria provided, single submitter. Criteria: Ambry Variant Classification Scheme 2023. Collection method: clinical testing. Allele origin: germline.
Comment: The p.S876N variant (also known as c.2627G>A), located in coding exon 17 of the NOTCH1 gene, results from a G to A substitution at nucleotide position 2627. The serine at codon 876 is replaced by asparagine, an amino acid with highly similar properties. This amino acid position is conserved. In addition, this alteration is predicted to be tolerated by in silico analysis. Based on the available evidence, the clinical significance of this variant remains unclear.

NM_017617.5(NOTCH1):c.2627G>A (p.Ser876Asn)

Gene: NOTCH1 (notch receptor 1; minus strand). Cytogenetic location: 9q34.3.
Variant type: single nucleotide variant.
Coding change: c.2627G>A on transcript NM_017617.5 (MANE Select); coding-DNA position 2627, G replaced by A.
Protein change: p.Ser876Asn; replaces serine 876 with asparagine.
Molecular consequence: missense variant.
Genome position (GRCh38, 1-based): chr9:136,510,766, C>T on the plus strand (G>A on the coding strand, the complement: NOTCH1 is on the minus strand). VCF-style: chr9-136510766-C-T. GRCh37 (hg19) VCF-style: chr9-139405218-C-T.
Other names: short protein forms S876N.
Identifiers: ClinVar variation 3921046 (VCV003921046.1).